The following is an entry in ClinVar:

ClinVar aggregate classification (germline): Pathogenic. Review status: criteria provided, multiple submitters, no conflicts (2 of 4 stars). 3 submissions from 3 submitters: Pathogenic (3). Last evaluated 2025-04-09.

Conditions:
Neurofibromatosis, type 1 (NF1). Also called: VON RECKLINGHAUSEN DISEASE; Peripheral type neurofibromatosis; Neurofibromatosis, type I; NEUROFIBROMATOSIS, TYPE I, SOMATIC. Identifiers: Orphanet 636, MedGen C0027831, MONDO:0018975, OMIM 162200. Disease mechanism: loss of function.

Submissions (3):

NHS Central & South Genomic Laboratory Hub
Classification: Pathogenic for Neurofibromatosis type 1. Last evaluated: 2025-04-09. Review status: criteria provided, single submitter. Criteria: ACMG Guidelines, 2015. Collection method: clinical testing. Allele origin: germline. Affected: yes.

Labcorp Genetics (formerly Invitae), Labcorp
Classification: Pathogenic for Neurofibromatosis, type 1. Last evaluated: 2024-12-23. Review status: criteria provided, single submitter. Criteria: Invitae Variant Classification Sherloc (09022015). Collection method: clinical testing. Allele origin: germline.
Comment: This sequence change creates a premature translational stop signal (p.Glu1561*) in the NF1 gene. It is expected to result in an absent or disrupted protein product. Loss-of-function variants in NF1 are known to be pathogenic (PMID: 10712197, 23913538). This variant is not present in population databases (gnomAD no frequency). This premature translational stop signal has been observed in individual(s) with neurofibromatosis type 1 (PMID: 23656349). ClinVar contains an entry for this variant (Variation ID: 930310). For these reasons, this variant has been classified as Pathogenic.

Centre for Mendelian Genomics, University Medical Centre Ljubljana
Classification: Pathogenic for Neurofibromatosis, type 1. Last evaluated: 2018-11-13. Review status: criteria provided, single submitter. Criteria: ACMG Guidelines, 2015. Collection method: clinical testing. Allele origin: unknown. Affected: yes.
Comment: This variant was classified as: Pathogenic. The following ACMG criteria were applied in classifying this variant: PVS1,PM2,PP3,PP5.

Literature cited by the submitters: PubMed 10712197 (cited by Labcorp Genetics (formerly Invitae), Labcorp); PubMed 23913538 (cited by Labcorp Genetics (formerly Invitae), Labcorp); PubMed 23656349 (cited by Labcorp Genetics (formerly Invitae), Labcorp).

NM_001042492.3(NF1):c.4744G>T (p.Glu1582Ter)

Gene: NF1 (neurofibromin 1; plus strand). Cytogenetic location: 17q11.2.
Variant type: single nucleotide variant.
Coding change: c.4744G>T on transcript NM_001042492.3 (MANE Select); coding-DNA position 4744, G replaced by T.
Protein change: p.Glu1582Ter; replaces glutamic acid 1582 with a stop codon.
Molecular consequence: nonsense.
Genome position (GRCh38, 1-based): chr17:31,265,248, G>T. VCF-style: chr17-31265248-G-T. GRCh37 (hg19) VCF-style: chr17-29592266-G-T.
Other names: c.4681G>T, p.Glu1561Ter (NM_000267.4); short protein forms E1561*, E1582*.
Identifiers: ClinVar variation 930310 (VCV000930310.6), dbSNP rs1167129178, ClinGen allele CA399001190.
Genomic context (GRCh38, chr17:31,265,248, plus strand): 5'-CAACATAAAGCCTCATAATTACTCTGTTATTTTTCTTTTAGGCATCAGGTACATGAAAAA[G>T]AAGAATTCAAGGCTTTGAAAACGTTAAGTATTTTCTACCAAGCTGGGACTTCCAAAGCTG-3'